The following is an entry in ClinVar:

NM_206937.2(LIG4):c.1439_1440insA (p.Met480fs)

Gene: LIG4 (DNA ligase 4; minus strand). Cytogenetic location: 13q33.3.
Variant type: Insertion.
Coding change: c.1439_1440insA on transcript NM_206937.2 (MANE Select); coding-DNA positions 1439 to 1440, A inserted.
Protein change: p.Met480fs; shifts the reading frame from methionine 480.
Molecular consequence: frameshift variant.
Genome position: GRCh38 VCF-style: chr13-108209829-C-CT. GRCh37 (hg19) VCF-style: chr13-108862177-C-CT.
Other names: c.1439_1440insA, p.Met480fs (NM_001098268.2, NM_001352598.2, NM_001352599.2 and 6 more transcripts); c.1238_1239insA, p.Met413fs (NM_001330595.2); c.1475_1476insA, p.Met492fs (NM_001352604.2); short protein forms M413fs, M480fs, M492fs.
Identifiers: ClinVar variation 3055547 (VCV003055547.2), dbSNP rs2501600808, ClinGen allele CA2623644119.
Genomic context (GRCh38, chr13:108,209,829, plus strand): 5'-AAACACAGATGGCTTCTCACCAGGAGGGGGCTTCTCTGCTACTGCACACAGAAAATGAGA[C>CT]ATCATTCCACCCCGTGATCCTTTACCCCAATATCCTCCAACAATTAAAATGTCCAATTCA-3'

ClinVar aggregate classification (germline): Likely pathogenic (0 of 4 stars; one submission).

Conditions:
LIG4-related disorder. Also called: LIG4-related disorders; LIG4-related condition. Identifiers: MedGen CN239380.

Allele frequency attached by ClinVar (database versions not stated): gnomAD exomes below 0.00001.

Submission:

PreventionGenetics, part of Exact Sciences
Classification: Likely pathogenic for LIG4-related condition. Last evaluated: 2023-10-23. Review status: no assertion criteria provided. Collection method: clinical testing. Allele origin: germline.
Comment: The LIG4 c.1439_1440insA variant is predicted to result in a frameshift and premature protein termination (p.Met480Ilefs*16). To our knowledge, this variant has not been reported in the literature or in a large population database, indicating this variant is rare. Frameshift variants in LIG4 are expected to be pathogenic. This variant is interpreted as likely pathogenic.